The following is an entry in ClinVar:

NM_172351.3(CD46):c.455G>C (p.Gly152Ala)

Gene: CD46 (CD46 molecule; plus strand). Cytogenetic location: 1q32.2.
Variant type: single nucleotide variant.
Coding change: c.455G>C on transcript NM_172351.3 (MANE Select); coding-DNA position 455, G replaced by C.
Protein change: p.Gly152Ala; replaces glycine 152 with alanine.
Molecular consequence: missense variant.
Genome position (GRCh38, 1-based): chr1:207,759,704, G>C. VCF-style: chr1-207759704-G-C. GRCh37 (hg19) VCF-style: chr1-207933049-G-C.
Other names: c.455G>C, p.Gly152Ala (NM_002389.4, NM_153826.4, NM_172350.3 and 8 more transcripts); short protein forms G152A.
Identifiers: ClinVar variation 4291273 (VCV004291273.2).
Genomic context (GRCh38, chr1:207,759,704, plus strand): 5'-ACTTAATTGGTGAAGAAATTCTATATTGTGAACTTAAAGGATCAGTAGCAATTTGGAGCG[G>C]TAAGCCCCCAATATGTGAAAGTAAGTAAATTCTTTTTTTTTAAATTTAGACCAGTAGTCC-3'
Protein context (NP_758861.1, residues 142-162): ELKGSVAIWS[Gly152Ala]KPPICEKVLC

ClinVar aggregate classification (germline): Uncertain significance (1 of 4 stars; one submission).

Conditions:
Atypical hemolytic-uremic syndrome. Identifiers: Orphanet 2134, MedGen C2931788, MONDO:0016244.

Submission:

Genomenon, Inc
Classification: Uncertain significance for Atypical hemolytic-uremic syndrome. Last evaluated: 2026-09-17. Review status: criteria provided, single submitter. Criteria: Genomenon Sequence Variant Interpretation Standards - Updated. Collection method: curation. Allele origin: germline. Affected: no.
Comment: CD46 p.Gly152Ala (c.455G>C) is a missense variant that changes the amino acid at codon 152 from glycine to alanine. This variant has been reported in the published literature (PMID:10960475). It is absent or not present at a significant frequency in gnomAD. In silico models predict that this variant is possibly or probably damaging. In conclusion, we classify CD46 p.Gly152Ala (c.455G>C) as a variant of uncertain significance.

Literature cited by the submitters: PubMed 10960475.